The following is an entry in ClinVar:

NM_174934.4(SCN4B):c.463+3A>T

Genes: SCN4B (sodium voltage-gated channel beta subunit 4; minus strand), LOC126861356 (BRD4-independent group 4 enhancer GRCh37_chr11:118014519-118015718; plus strand). Cytogenetic location: 11q23.3.
Variant type: single nucleotide variant.
Coding change: c.463+3A>T on transcript NM_174934.4 (MANE Select); 3 bases into the intron after coding-DNA position 463, A replaced by T.
Molecular consequence: intron variant.
Genome position (GRCh38, 1-based): chr11:118,143,830, T>A on the plus strand (A>T on the coding strand, the complement: SCN4B is on the minus strand). VCF-style: chr11-118143830-T-A. GRCh37 (hg19) VCF-style: chr11-118014545-T-A.
Other names: c.62-2494A>T (NM_001142348.2); c.133+3A>T (NM_001142349.2).
Identifiers: ClinVar variation 518866 (VCV000518866.9), dbSNP rs751139039, ClinGen allele CA6300209.

ClinVar aggregate classification (germline): Uncertain significance. Review status: criteria provided, multiple submitters, no conflicts (2 of 4 stars). 3 submissions from 3 submitters: Uncertain significance (3). Last evaluated 2024-03-15.

Conditions:
Cardiovascular phenotype. Identifiers: MedGen CN230736.
Long QT syndrome 10 (LQT10). Identifiers: Orphanet 101016, Orphanet 768, MedGen C2678484, MONDO:0012737, OMIM 611819.

Allele frequency attached by ClinVar (database versions not stated): gnomAD exomes 0.00003 and 0.00009; TOPMed 0.00003; gnomAD 0.00004 and 0.00006; ExAC 0.00005.
gnomAD v4.1: 139 of 1,609,496 alleles (0.0086%); highest among the groups gnomAD compares: East Asian, 0.31%; 1 homozygote.

Submissions (3):

Ambry Genetics
Classification: Uncertain significance for Cardiovascular phenotype. Last evaluated: 2024-03-15. Review status: criteria provided, single submitter. Criteria: Ambry Variant Classification Scheme 2023. Collection method: clinical testing. Allele origin: germline.
Comment: The c.463+3A>T intronic variant results from an A to T substitution 3 nucleotides after coding exon 3 in the SCN4B gene. This nucleotide position is well conserved in available vertebrate species. In silico splice site analysis predicts that this alteration will weaken the native splice donor site. The evidence for this gene-disease relationship is limited; therefore, the clinical significance of this alteration is unclear.

Labcorp Genetics (formerly Invitae), Labcorp
Classification: Uncertain significance for Long QT syndrome 10. Last evaluated: 2023-12-18. Review status: criteria provided, single submitter. Criteria: Invitae Variant Classification Sherloc (09022015). Collection method: clinical testing. Allele origin: germline.
Comment: This sequence change falls in intron 3 of the SCN4B gene. It does not directly change the encoded amino acid sequence of the SCN4B protein. It affects a nucleotide within the consensus splice site. This variant is present in population databases (rs751139039, gnomAD 0.04%), and has an allele count higher than expected for a pathogenic variant. This variant has not been reported in the literature in individuals affected with SCN4B-related conditions. ClinVar contains an entry for this variant (Variation ID: 518866). Variants that disrupt the consensus splice site are a relatively common cause of aberrant splicing (PMID: 17576681, 9536098). Algorithms developed to predict the effect of sequence changes on RNA splicing suggest that this variant may disrupt the consensus splice site. In summary, the available evidence is currently insufficient to determine the role of this variant in disease. Therefore, it has been classified as a Variant of Uncertain Significance.

Women's Health and Genetics/Laboratory Corporation of America, LabCorp
Classification: Uncertain significance. Last evaluated: 2023-02-10. Review status: criteria provided, single submitter. Criteria: LabCorp Variant Classification Summary - May 2015. Collection method: clinical testing. Allele origin: germline.

Literature cited by the submitters: PubMed 17576681 (cited by Labcorp Genetics (formerly Invitae), Labcorp); PubMed 9536098 (cited by Labcorp Genetics (formerly Invitae), Labcorp).